The following is an entry in ClinVar:

NM_001034853.2(RPGR):c.444A>T (p.Gly148=)

Gene: RPGR (retinitis pigmentosa GTPase regulator; minus strand). Cytogenetic location: Xp11.4.
Variant type: single nucleotide variant.
Coding change: c.444A>T on transcript NM_001034853.2 (MANE Select); coding-DNA position 444, A replaced by T.
Protein change: p.Gly148=; no amino-acid change (glycine 148 retained).
Molecular consequence: synonymous variant. On other transcripts: non-coding transcript variant (6).
Genome position (GRCh38, 1-based): chrX:38,318,854, T>A on the plus strand (A>T on the coding strand, the complement: RPGR is on the minus strand). VCF-style: chrX-38318854-T-A. GRCh37 (hg19) VCF-style: chrX-38178107-T-A.
Other names: NM_001034853.2(RPGR):c.444A>T; p.Gly148=; c.444A>T, p.Gly148= (NM_000328.3, NM_001367245.1, NM_001367246.1 and 3 more transcripts); c.474A>T, p.Gly158= (NM_001367248.1); c.441A>T, p.Gly147= (NM_001367249.1); c.444A>T (NM_001034853.1).
Identifiers: ClinVar variation 1946075 (VCV001946075.21), dbSNP rs752286330, ClinGen allele CA10385660.

ClinVar aggregate classification (germline): Likely benign. Review status: reviewed by expert panel (3 of 4 stars). 5 submissions from 5 submitters: Likely benign (1). 4 of the submissions do not count toward it. Last evaluated 2025-09-05.

Conditions:
Primary ciliary dyskinesia. Also called: Ciliary dyskinesia. Identifiers: Orphanet 244, MedGen C0008780, MONDO:0016575, HP:0012265.
RPGR-related disorder. Also called: RPGR-related condition.
RPGR-related retinopathy. Also called: RPGR retinopathy. Identifiers: MedGen CN305589, MONDO:0100437.

Allele frequency attached by ClinVar (database versions not stated): gnomAD 0.00001; gnomAD exomes 0.00003; TOPMed 0.00005; ExAC 0.00013.
gnomAD v4.1: 35 of 1,210,271 alleles (0.0029%); highest among the groups gnomAD compares: East Asian, 0.089%; no homozygotes.

Submissions (5):

ClinGen X-linked Inherited Retinal Disease Variant Curation Expert Panel, ClinGen
Classification: Likely benign for RPGR-related retinopathy. Last evaluated: 2025-09-05. Review status: reviewed by expert panel. Criteria: ClinGen X LinkedIRD ACMG Specifications RPGR V1.0.0. Collection method: curation. Allele origin: germline. Inheritance: X-linked inheritance.
Comment: NM_001034853.2(RPGR):c.444A>T (p.Gly148=) is a synonymous variant in codon 148. This variant is present in gnomAD v4.1.0 at a frequency of 0.00002514 among hemizygous individuals, with 10 variant alleles / 397,811 total hemizygous alleles, which is higher than the ClinGen X-linked IRD VCEP BS1 threshold of >0.000005 (BS1). The splicing impact predictor SpliceAI gives a delta score of 0.14 for donor gain, which falls within the intermediate range above the ClinGen X-linked IRD VCEP recommended BP4 threshold of <0.1 but below the PP3 threshold of >0.2, so neither in silico code was met. In summary, this variant is classified as likely benign for RPGR-related retinopathy based on the ClinGen X-linked Inherited Retinal Disease Expert Panel Specifications to the ACMG/AMP Variant Interpretation Guidelines for RPGR Version 1.0.0; BS1.

PreventionGenetics, part of Exact Sciences
Classification: Likely benign for RPGR-related condition. Last evaluated: 2026-03-31. Review status: criteria provided, single submitter. Criteria: ACMG Guidelines, 2015. Collection method: clinical testing. Allele origin: germline. Not counted in ClinVar's aggregate classification.
Comment: This variant is classified as likely benign based on ACMG/AMP sequence variant interpretation guidelines (Richards et al. 2015 PMID: 25741868, with internal and published modifications).

Labcorp Genetics (formerly Invitae), Labcorp
Classification: Benign for Primary ciliary dyskinesia. Last evaluated: 2025-11-27. Review status: criteria provided, single submitter. Criteria: Invitae Variant Classification Sherloc (09022015). Collection method: clinical testing. Allele origin: germline. Not counted in ClinVar's aggregate classification.

CeGaT Center for Human Genetics Tuebingen
Classification: Likely benign. Last evaluated: 2024-12-01. Review status: criteria provided, single submitter. Criteria: CeGaT Center For Human Genetics Tuebingen Variant Classification Criteria Version 2. Collection method: clinical testing. Allele origin: germline. Affected: yes. Observed: 1 variant allele. Not counted in ClinVar's aggregate classification.
Comment: RPGR: BP4, BP7, BS2

Blueprint Genetics
Classification: Likely benign. Last evaluated: 2023-11-03. Review status: criteria provided, single submitter. Criteria: ACMG Guidelines, 2015. Collection method: clinical testing. Allele origin: germline. Not counted in ClinVar's aggregate classification.